The following is an entry in ClinVar:

NM_000428.3(LTBP2):c.2296G>A (p.Gly766Arg)

Gene: LTBP2 (latent transforming growth factor beta binding protein 2; minus strand). Cytogenetic location: 14q24.3.
Variant type: single nucleotide variant.
Coding change: c.2296G>A on transcript NM_000428.3 (MANE Select); coding-DNA position 2296, G replaced by A.
Protein change: p.Gly766Arg; replaces glycine 766 with arginine.
Molecular consequence: missense variant.
Genome position (GRCh38, 1-based): chr14:74,528,555, C>T on the plus strand (G>A on the coding strand, the complement: LTBP2 is on the minus strand). VCF-style: chr14-74528555-C-T. GRCh37 (hg19) VCF-style: chr14-74995258-C-T.
Other names: c.2296G>A (NM_000428.2); short protein forms G766R.
Identifiers: ClinVar variation 1360228 (VCV001360228.6), dbSNP rs755876557, ClinGen allele CA7269584.

ClinVar aggregate classification (germline): Uncertain significance. Review status: criteria provided, multiple submitters, no conflicts (2 of 4 stars). 2 submissions from 2 submitters: Uncertain significance (2). Last evaluated 2026-01-09.

Conditions:
Inborn genetic diseases. Identifiers: MedGen C0950123, MeSH D030342.

Allele frequency attached by ClinVar (database versions not stated): ExAC 0.00001; gnomAD 0.00001; gnomAD exomes 0.00001 and 0.00002; TOPMed 0.00002.
gnomAD v4.1: 22 of 1,613,038 alleles (0.0014%); highest among the groups gnomAD compares: East Asian, 0.0045%; no homozygotes.

Submissions (2):

Ambry Genetics
Classification: Uncertain significance for Inborn genetic diseases. Last evaluated: 2026-01-09. Review status: criteria provided, single submitter. Criteria: Ambry Variant Classification Scheme 2023. Collection method: clinical testing. Allele origin: germline.

Labcorp Genetics (formerly Invitae), Labcorp
Classification: Uncertain significance. Last evaluated: 2021-09-03. Review status: criteria provided, single submitter. Criteria: Invitae Variant Classification Sherloc (09022015). Collection method: clinical testing. Allele origin: germline.
Comment: In summary, the available evidence is currently insufficient to determine the role of this variant in disease. Therefore, it has been classified as a Variant of Uncertain Significance. Algorithms developed to predict the effect of missense changes on protein structure and function output the following: SIFT: "Tolerated"; PolyPhen-2: "Benign"; Align-GVGD: "Class C0". The arginine amino acid residue is found in multiple mammalian species, which suggests that this missense change does not adversely affect protein function. This variant has not been reported in the literature in individuals affected with LTBP2-related conditions. This variant is present in population databases (rs755876557, ExAC 0.002%). This sequence change replaces glycine with arginine at codon 766 of the LTBP2 protein (p.Gly766Arg). The glycine residue is highly conserved and there is a moderate physicochemical difference between glycine and arginine.